The following is an entry in ClinVar:

ClinVar aggregate classification (germline): Uncertain significance. Review status: criteria provided, multiple submitters, no conflicts (2 of 4 stars). 2 submissions from 2 submitters: Uncertain significance (2). Last evaluated 2023-07-25.

Conditions:
Inborn genetic diseases. Identifiers: MedGen C0950123, MeSH D030342.
Hereditary spastic paraplegia 11. Also called: Nakamura Osame syndrome; Autosomal recessive hereditary spastic paraplegia, mental impairment, and thin corpus callosum; SPASTIC PARAPLEGIA, AUTOSOMAL RECESSIVE, COMPLICATED, WITH THIN CORPUS CALLOSUM; SPASTIC PARAPLEGIA, AUTOSOMAL RECESSIVE, WITH MENTAL IMPAIRMENT AND THIN CORPUS CALLOSUM; Spastic Paraplegia 11; Spastic paraplegia, mental retardation and thin corpus callosum. Identifiers: Orphanet 2822, MedGen C1858479, MONDO:0011445, OMIM 604360.

Allele frequency attached by ClinVar (database versions not stated): gnomAD exomes below 0.00001; TOPMed 0.00001.

Submissions (2):

Ambry Genetics
Classification: Uncertain significance for Inborn genetic diseases. Last evaluated: 2023-07-25. Review status: criteria provided, single submitter. Criteria: Ambry Variant Classification Scheme 2023. Collection method: clinical testing. Allele origin: germline.
Comment: The c.7000-8_7000-4delCTTTT alteration is located in Intron 38 (E) of the SPG11 gene. This alteration consists of a deletion of 5 nucleotides at nucleotide position c.7000-8 Intron 38 (E). This nucleotide position is well conserved in available vertebrate species. Based on insufficient or conflicting evidence, the clinical significance of this alteration remains unclear.

Labcorp Genetics (formerly Invitae), Labcorp
Classification: Uncertain significance for Hereditary spastic paraplegia 11. Last evaluated: 2022-07-23. Review status: criteria provided, single submitter. Criteria: Invitae Variant Classification Sherloc (09022015). Collection method: clinical testing. Allele origin: germline.
Comment: This variant has not been reported in the literature in individuals affected with SPG11-related conditions. In summary, the available evidence is currently insufficient to determine the role of this variant in disease. Therefore, it has been classified as a Variant of Uncertain Significance. Algorithms developed to predict the effect of sequence changes on RNA splicing suggest that this variant may create or strengthen a splice site. This variant is not present in population databases (gnomAD no frequency). This sequence change falls in intron 38 of the SPG11 gene. It does not directly change the encoded amino acid sequence of the SPG11 protein.

NM_025137.4(SPG11):c.7000-8_7000-4del

Gene: SPG11 (SPG11 vesicle trafficking associated, spatacsin; minus strand). Cytogenetic location: 15q21.1.
Variant type: Deletion.
Coding change: c.7000-8_7000-4del on transcript NM_025137.4 (MANE Select); 8 bases into the intron before coding-DNA position 7000 through 4 bases into the intron before coding-DNA position 7000, 5 bases deleted (CTTTT; older notation c.7000-8_7000-4delCTTTT).
Molecular consequence: intron variant.
Genome position (GRCh38, 1-based): chr15:44,564,702-44,564,706, AAAAG deleted on the plus strand (CTTTT on the coding strand, the reverse complement: SPG11 is on the minus strand). VCF-style (leftmost placement, unchanged base first): chr15-44564701-TAAAAG-T. GRCh37 (hg19) VCF-style: chr15-44856899-TAAAAG-T.
Other names: c.7000-8_7000-4delCTTTT (NM_025137.3); c.6661-8_6661-4del (NM_001160227.2).
Identifiers: ClinVar variation 1940367 (VCV001940367.7), dbSNP rs2082274179, ClinGen allele CA2173678609.
Genomic context (GRCh38, chr15:44,564,701, plus strand): 5'-GGTATAAAATTTCAGCCCAATCTGGAACAAAATCGTAGGCCTCAGCCACAATAGAAGCCT[TAAAAG>T]GAGAGGTGAAGAAGGACACCATCAGAGCCCATCTGATGTAAAATCAAAAACAAACTGTTG-3'